The following is an entry in ClinVar:

ClinVar aggregate classification (germline): Uncertain significance. Review status: criteria provided, multiple submitters, no conflicts (2 of 4 stars). 2 submissions from 2 submitters: Uncertain significance (2). Last evaluated 2023-09-06.

Conditions:
Osteogenesis imperfecta type I (OI1). Also called: OI, TYPE I; OSTEOGENESIS IMPERFECTA TARDA; OSTEOGENESIS IMPERFECTA WITH BLUE SCLERAE; Osteogenesis imperfecta type 1; Lobstein's Disease; Lobstein disease. Identifiers: Orphanet 216796, Orphanet 666, MedGen C0023931, MONDO:0008146, OMIM 166200. Disease mechanism: loss of function.
Ehlers-Danlos syndrome, classic type, 1 (EDSCL1). Also called: EHLERS-DANLOS SYNDROME, GRAVIS TYPE; EHLERS-DANLOS SYNDROME, SEVERE CLASSIC TYPE; Ehlers-Danlos syndrome, type 1; EDS I; Ehlers-Danlos Syndrome, Classic Type, COL5A1-Related. Identifiers: MedGen C0268335, MONDO:0019567, OMIM 130000.

Submissions (2):

Labcorp Genetics (formerly Invitae), Labcorp
Classification: Uncertain significance for Osteogenesis imperfecta type I; Ehlers-Danlos syndrome, classic type, 1. Last evaluated: 2023-09-06. Review status: criteria provided, single submitter. Criteria: Invitae Variant Classification Sherloc (09022015). Collection method: clinical testing. Allele origin: germline.
Comment: This sequence change falls in intron 37 of the COL1A2 gene. It does not directly change the encoded amino acid sequence of the COL1A2 protein. It affects a nucleotide within the consensus splice site. This variant is not present in population databases (gnomAD no frequency). This variant has not been reported in the literature in individuals affected with COL1A2-related conditions. ClinVar contains an entry for this variant (Variation ID: 1304174). Variants that disrupt the consensus splice site are a relatively common cause of aberrant splicing (PMID: 17576681, 9536098). Algorithms developed to predict the effect of sequence changes on RNA splicing suggest that this variant may disrupt the consensus splice site. In summary, the available evidence is currently insufficient to determine the role of this variant in disease. Therefore, it has been classified as a Variant of Uncertain Significance.

GeneDx
Classification: Uncertain significance. Last evaluated: 2020-01-13. Review status: criteria provided, single submitter. Criteria: GeneDx Variant Classification Process June 2021. Collection method: clinical testing. Allele origin: germline. Affected: yes.
Comment: Not observed in large population cohorts (Lek et al., 2016); In silico analysis, which includes splice predictors and evolutionary conservation, supports a deleterious effect; Has not been previously published as pathogenic or benign to our knowledge

Literature cited by the submitters: PubMed 17576681 (cited by Labcorp Genetics (formerly Invitae), Labcorp); PubMed 9536098 (cited by Labcorp Genetics (formerly Invitae), Labcorp).

NM_000089.4(COL1A2):c.2295+3A>C

Gene: COL1A2 (collagen type I alpha 2 chain; plus strand). Cytogenetic location: 7q21.3.
Variant type: single nucleotide variant.
Coding change: c.2295+3A>C on transcript NM_000089.4 (MANE Select); 3 bases into the intron after coding-DNA position 2295, A replaced by C.
Molecular consequence: intron variant.
Genome position (GRCh38, 1-based): chr7:94,420,651, A>C. VCF-style: chr7-94420651-A-C. GRCh37 (hg19) VCF-style: chr7-94049963-A-C.
Identifiers: ClinVar variation 1304174 (VCV001304174.5), dbSNP rs757560633, ClinGen allele CA2573052945.
Genomic context (GRCh38, chr7:94,420,651, plus strand): 5'-TAAGGGTGAAAACGGTGTTGTTGGTCCCACAGGCCCCGTTGGAGCTGCTGGCCCAGCTGT[A>C]AGTTGAATTCACTGGTGGTCCACACAGCAGCTACCCATTAGATCTTCCAATTAAATATAT-3'